The following is an entry in ClinVar:

ClinVar aggregate classification (germline): Likely benign. Review status: criteria provided, single submitter (1 of 4 stars). 2 submissions from 2 submitters: Likely benign (1). 1 of the submissions does not count toward it.

Allele frequency attached by ClinVar (database versions not stated): 1000 Genomes Project 30x 0.00984; 1000 Genomes Project 0.01018; TOPMed 0.01964; gnomAD exomes 0.01996 and 0.02611; ExAC 0.02022; gnomAD 0.02108 and 0.02176; ESP Exome Variant Server 0.02448.
gnomAD v4.1: 41,042 of 1,613,752 alleles (2.5%); highest among the groups gnomAD compares: Non-Finnish European, 3%; 620 homozygotes.

Submissions (18):

Breakthrough Genomics
Classification: Likely benign. Review status: criteria provided, single submitter. Criteria: ACMG Guidelines, 2015. Collection method: not provided. Allele origin: germline. Inheritance: Unknown mechanism. Affected: yes.

Department of Pathology and Laboratory Medicine, Sinai Health System
Classification: Likely benign. Review status: no assertion criteria provided. Collection method: clinical testing. Allele origin: unknown. Affected: yes. Study: The Canadian Open Genetics Repository (COGR). Not counted in ClinVar's aggregate classification.
Comment: The PTPN13 p.Arg2014Gln variant was not identified in the literature nor was it identified in the ClinVar, Cosmic, MutDB or LOVD 3.0 databases. The variant was identified in dbSNP (ID: rs61750816) and in control databases in 5703 of 280594 chromosomes (82 homozygous) at a frequency of 0.020325 increasing the likelihood this could be a low frequency benign variant (Genome Aggregation Database Feb 27, 2017). The variant was observed in the following populations: European (non-Finnish) in 3985 of 128422 chromosomes (freq: 0.03103), European (Finnish) in 768 of 24998 chromosomes (freq: 0.03072), Other in 178 of 7138 chromosomes (freq: 0.02494), Latino in 462 of 35346 chromosomes (freq: 0.01307), Ashkenazi Jewish in 106 of 10356 chromosomes (freq: 0.01024), African in 113 of 24196 chromosomes (freq: 0.00467), South Asian in 89 of 30602 chromosomes (freq: 0.002908) and East Asian in 2 of 19536 chromosomes (freq: 0.000102). The p.Arg2014 residue is not conserved in mammals and computational analyses (PolyPhen-2, SIFT, AlignGVGD, BLOSUM, MutationTaster) do not suggest a high likelihood of impact to the protein; however, this information is not predictive enough to rule out pathogenicity. In summary, based on the above information the clinical significance of this variant cannot be determined with certainty at this time although we would lean towards a more benign role for this variant. This variant is classified as likely benign.

Dr. Peter K. Rogan Lab, Western University
No classification provided (evidence only). Condition: Melanoma. Review status: no classification provided. Collection method: in vitro. Allele origin: not applicable. Functional consequence: retained intron. Not counted in ClinVar's aggregate classification.

Dr. Peter K. Rogan Lab, Western University
No classification provided (evidence only). Condition: Colon adenocarcinoma. Review status: no classification provided. Collection method: in vitro. Allele origin: not applicable. Functional consequence: retained intron. Not counted in ClinVar's aggregate classification.

Dr. Peter K. Rogan Lab, Western University
No classification provided (evidence only). Condition: Thyroid cancer, nonmedullary, 1. Review status: no classification provided. Collection method: in vitro. Allele origin: not applicable. Functional consequence: retained intron. Not counted in ClinVar's aggregate classification.

Dr. Peter K. Rogan Lab, Western University
No classification provided (evidence only). Condition: Thyroid cancer, nonmedullary, 1. Review status: no classification provided. Collection method: in vitro. Allele origin: not applicable. Functional consequence: retained intron. Not counted in ClinVar's aggregate classification.

Dr. Peter K. Rogan Lab, Western University
No classification provided (evidence only). Condition: Uterine corpus endometrial carcinoma. Review status: no classification provided. Collection method: in vitro. Allele origin: not applicable. Functional consequence: retained intron. Not counted in ClinVar's aggregate classification.

Dr. Peter K. Rogan Lab, Western University
No classification provided (evidence only). Condition: Cervical cancer. Review status: no classification provided. Collection method: in vitro. Allele origin: not applicable. Functional consequence: retained intron. Not counted in ClinVar's aggregate classification.

Dr. Peter K. Rogan Lab, Western University
No classification provided (evidence only). Condition: Cervical cancer. Review status: no classification provided. Collection method: in vitro. Allele origin: not applicable. Functional consequence: retained intron. Not counted in ClinVar's aggregate classification.

Dr. Peter K. Rogan Lab, Western University
No classification provided (evidence only). Condition: Sarcoma. Review status: no classification provided. Collection method: in vitro. Allele origin: not applicable. Functional consequence: skipped exon. Not counted in ClinVar's aggregate classification.

Dr. Peter K. Rogan Lab, Western University
No classification provided (evidence only). Condition: Hepatocellular carcinoma. Review status: no classification provided. Collection method: in vitro. Allele origin: not applicable. Functional consequence: retained intron. Not counted in ClinVar's aggregate classification.

Dr. Peter K. Rogan Lab, Western University
No classification provided (evidence only). Condition: Hepatocellular carcinoma. Review status: no classification provided. Collection method: in vitro. Allele origin: not applicable. Functional consequence: retained intron. Not counted in ClinVar's aggregate classification.

Dr. Peter K. Rogan Lab, Western University
No classification provided (evidence only). Condition: Nonpapillary renal cell carcinoma. Review status: no classification provided. Collection method: in vitro. Allele origin: not applicable. Functional consequence: retained intron. Not counted in ClinVar's aggregate classification.

Dr. Peter K. Rogan Lab, Western University
No classification provided (evidence only). Condition: Thymoma. Review status: no classification provided. Collection method: in vitro. Allele origin: not applicable. Functional consequence: retained intron. Not counted in ClinVar's aggregate classification.

Dr. Peter K. Rogan Lab, Western University
No classification provided (evidence only). Condition: Thymoma. Review status: no classification provided. Collection method: in vitro. Allele origin: not applicable. Functional consequence: retained intron. Not counted in ClinVar's aggregate classification.

Dr. Peter K. Rogan Lab, Western University
No classification provided (evidence only). Condition: Uterine carcinosarcoma. Review status: no classification provided. Collection method: in vitro. Allele origin: not applicable. Functional consequence: skipped exon. Not counted in ClinVar's aggregate classification.

Dr. Peter K. Rogan Lab, Western University
No classification provided (evidence only). Condition: Malignant tumor of esophagus. Review status: no classification provided. Collection method: in vitro. Allele origin: not applicable. Functional consequence: skipped exon. Not counted in ClinVar's aggregate classification.

Dr. Peter K. Rogan Lab, Western University
No classification provided (evidence only). Condition: Malignant tumor of esophagus. Review status: no classification provided. Collection method: in vitro. Allele origin: not applicable. Functional consequence: retained intron. Not counted in ClinVar's aggregate classification.

NM_080683.3(PTPN13):c.6614G>A (p.Arg2205Gln)

Gene: PTPN13 (protein tyrosine phosphatase non-receptor type 13; plus strand). Cytogenetic location: 4q21.3.
Variant type: single nucleotide variant.
Coding change: c.6614G>A on transcript NM_080683.3 (MANE Select); coding-DNA position 6614, G replaced by A.
Protein change: p.Arg2205Gln; replaces arginine 2205 with glutamine.
Molecular consequence: missense variant.
Genome position (GRCh38, 1-based): chr4:86,803,817, G>A. VCF-style: chr4-86803817-G-A. GRCh37 (hg19) VCF-style: chr4-87724970-G-A.
Other names: NC_000004.11:g.87724970G>A; c.6557G>A, p.Arg2186Gln (NM_006264.3); c.6041G>A, p.Arg2014Gln (NM_080684.3); c.6629G>A, p.Arg2210Gln (NM_080685.3); short protein forms R2014Q, R2186Q, R2205Q, R2210Q.
Identifiers: ClinVar variation 1049428 (VCV001049428.3), dbSNP rs61750816, ClinGen allele CA2997011.